The following is an entry in ClinVar:

NM_001127644.2(GABRA1):c.797T>C (p.Ile266Thr)

Gene: GABRA1 (gamma-aminobutyric acid type A receptor subunit alpha1; plus strand). Cytogenetic location: 5q34.
Variant type: single nucleotide variant.
Coding change: c.797T>C on transcript NM_001127644.2 (MANE Select); coding-DNA position 797, T replaced by C.
Protein change: p.Ile266Thr; replaces isoleucine 266 with threonine.
Molecular consequence: missense variant.
Genome position (GRCh38, 1-based): chr5:161,890,991, T>C. VCF-style: chr5-161890991-T-C. GRCh37 (hg19) VCF-style: chr5-161317997-T-C.
Other names: c.797T>C, p.Ile266Thr (NM_000806.5, NM_001127643.2, NM_001127645.2 and 1 more transcripts); short protein forms I266T.
Identifiers: ClinVar variation 4282117 (VCV004282117.2).
Genomic context (GRCh38, chr5:161,890,991, plus strand): 5'-TGAAGAGAAAGATTGGCTACTTTGTTATTCAAACATACCTGCCATGCATAATGACAGTGA[T>C]TCTCTCACAAGTCTCCTTCTGGCTCAACAGAGAGTCTGTACCAGCAAGAACTGTCTTTGG-3'
Protein context (NP_001121116.1, residues 256-276): QTYLPCIMTV[Ile266Thr]LSQVSFWLNR

ClinVar aggregate classification (germline): Uncertain significance (1 of 4 stars; one submission).

Submission:

GeneDx
Classification: Uncertain significance. Last evaluated: 2026-08-31. Review status: criteria provided, single submitter. Criteria: GeneDx Variant Classification Process June 2021. Collection method: clinical testing. Allele origin: germline.
Comment: Not observed at significant frequency in large population cohorts (gnomAD); In silico analysis supports that this missense variant has a deleterious effect on protein structure/function; Has not been previously published as pathogenic or benign to our knowledge